The following is an entry in ClinVar:

ClinVar aggregate classification (germline): Uncertain significance (1 of 4 stars; one submission).

Submission:

Women's Health and Genetics/Laboratory Corporation of America, LabCorp
Classification: Uncertain significance. Last evaluated: 2025-07-16. Review status: criteria provided, single submitter. Criteria: LabCorp Variant Classification Summary - May 2015. Collection method: clinical testing. Allele origin: germline.
Comment: Variant summary: CCDC8 c.921_922insT (p.Ile308TyrfsX3) results in a premature termination codon, predicted to cause a truncation of the encoded protein or absence of the protein due to nonsense mediated decay, however current evidence is not sufficient to establish loss of function as a mechanism for disease. The frequency data for this variant in gnomAD is considered unreliable, as metrics indicate poor data quality at this position. To our knowledge, no occurrence of c.921_922insT in individuals affected with Three M Syndrome 3 and no experimental evidence demonstrating its impact on protein function have been reported. No submitters have cited clinical-significance assessments for this variant to ClinVar. Based on the evidence outlined above, the variant was classified as uncertain significance.

NM_032040.5(CCDC8):c.921_922insT (p.Ile308fs)

Gene: CCDC8 (coiled-coil domain containing 8 subunit of 3M complex; minus strand). Cytogenetic location: 19q13.32.
Variant type: Insertion.
Coding change: c.921_922insT on transcript NM_032040.5 (MANE Select); coding-DNA positions 921 to 922, T inserted.
Protein change: p.Ile308fs; shifts the reading frame from isoleucine 308.
Molecular consequence: frameshift variant.
Genome position: GRCh38 VCF-style: chr19-46411889-T-TA. GRCh37 (hg19) VCF-style: chr19-46915146-T-TA.
Other names: short protein forms I308fs.
Identifiers: ClinVar variation 4525831 (VCV004525831.1).